The following is an entry in ClinVar:

ClinVar aggregate classification (germline): Uncertain significance (1 of 4 stars; one submission).

Submission:

Labcorp Genetics (formerly Invitae), Labcorp
Classification: Uncertain significance. Last evaluated: 2024-10-28. Review status: criteria provided, single submitter. Criteria: Invitae Variant Classification Sherloc (09022015). Collection method: clinical testing. Allele origin: germline.
Comment: This sequence change replaces alanine, which is neutral and non-polar, with valine, which is neutral and non-polar, at codon 1104 of the ADCY10 protein (p.Ala1104Val). This variant is not present in population databases (gnomAD no frequency). This variant has not been reported in the literature in individuals affected with ADCY10-related conditions. An algorithm developed to predict the effect of missense changes on protein structure and function (PolyPhen-2) suggests that this variant is likely to be disruptive. In summary, the available evidence is currently insufficient to determine the role of this variant in disease. Therefore, it has been classified as a Variant of Uncertain Significance.

NM_018417.6(ADCY10):c.3311C>T (p.Ala1104Val)

Gene: ADCY10 (adenylate cyclase 10; minus strand). Cytogenetic location: 1q24.2.
Variant type: single nucleotide variant.
Coding change: c.3311C>T on transcript NM_018417.6 (MANE Select); coding-DNA position 3311, C replaced by T.
Protein change: p.Ala1104Val; replaces alanine 1104 with valine.
Molecular consequence: missense variant.
Genome position (GRCh38, 1-based): chr1:167,834,076, G>A on the plus strand (C>T on the coding strand, the complement: ADCY10 is on the minus strand). VCF-style: chr1-167834076-G-A. GRCh37 (hg19) VCF-style: chr1-167803314-G-A.
Other names: c.2852C>T, p.Ala951Val (NM_001167749.3); c.3035C>T, p.Ala1012Val (NM_001297772.2); short protein forms A1104V, A951V, A1012V.
Identifiers: ClinVar variation 3683369 (VCV003683369.2).
Genomic context (GRCh38, chr1:167,834,076, plus strand): 5'-CAAGATTTGTCCTTCTTGAGAGTTTTTAGCAACTTCTGTCCTTCATTCAAATACATGTAT[G>A]CCTGTAACCAGCCCAAGGAGTAGAAAAGTGTTGATTCAGCAGGGATTGAGCCCACAGAAG-3'
Protein context (NP_060887.2, residues 1094-1114): AYLIFCDNYM[Ala1104Val]YMYLNEGQKL